The following is an entry in ClinVar:

ClinVar aggregate classification (germline): Uncertain significance (1 of 4 stars; one submission).

Submission:

Labcorp Genetics (formerly Invitae), Labcorp
Classification: Uncertain significance. Last evaluated: 2025-08-08. Review status: criteria provided, single submitter. Criteria: Invitae Variant Classification Sherloc (09022015). Collection method: clinical testing. Allele origin: germline.
Comment: This sequence change replaces phenylalanine, which is neutral and non-polar, with leucine, which is neutral and non-polar, at codon 2361 of the FLNB protein (p.Phe2361Leu). This variant is not present in population databases (gnomAD no frequency). This variant has not been reported in the literature in individuals affected with FLNB-related conditions. Invitae Evidence Modeling of protein sequence and biophysical properties (such as structural, functional, and spatial information, amino acid conservation, physicochemical variation, residue mobility, and thermodynamic stability) indicates that this missense variant is not expected to disrupt FLNB protein function with a negative predictive value of 95%. In summary, the available evidence is currently insufficient to determine the role of this variant in disease. Therefore, it has been classified as a Variant of Uncertain Significance.

NM_001457.4(FLNB):c.7081T>C (p.Phe2361Leu)

Genes: FLNB (filamin B; plus strand), FLNB-AS1 (FLNB antisense RNA 1; minus strand). Cytogenetic location: 3p14.3.
Variant type: single nucleotide variant.
Coding change: c.7081T>C on transcript NM_001457.4 (MANE Select); coding-DNA position 7081, T replaced by C.
Protein change: p.Phe2361Leu; replaces phenylalanine 2361 with leucine.
Molecular consequence: missense variant. On other transcripts: non-coding transcript variant (1).
Genome position (GRCh38, 1-based): chr3:58,163,213, T>C. VCF-style: chr3-58163213-T-C. GRCh37 (hg19) VCF-style: chr3-58148940-T-C.
Other names: c.7174T>C, p.Phe2392Leu (NM_001164317.2); c.7048T>C, p.Phe2350Leu (NM_001164318.2); c.7009T>C, p.Phe2337Leu (NM_001164319.2); short protein forms F2337L, F2350L, F2361L, F2392L.
Identifiers: ClinVar variation 4801731 (VCV004801731.1).